The following is an entry in ClinVar:

NM_002430.3(MN1):c.620C>G (p.Pro207Arg)

Gene: MN1 (MN1 proto-oncogene, transcriptional regulator; minus strand). Cytogenetic location: 22q12.1.
Variant type: single nucleotide variant.
Coding change: c.620C>G on transcript NM_002430.3 (MANE Select); coding-DNA position 620, C replaced by G.
Protein change: p.Pro207Arg; replaces proline 207 with arginine.
Molecular consequence: missense variant.
Genome position (GRCh38, 1-based): chr22:27,799,924, G>C on the plus strand (C>G on the coding strand, the complement: MN1 is on the minus strand). VCF-style: chr22-27799924-G-C. GRCh37 (hg19) VCF-style: chr22-28195912-G-C.
Other names: short protein forms P207R.
Identifiers: ClinVar variation 1700416 (VCV001700416.5), dbSNP rs1198450862, ClinGen allele CA411050785.

ClinVar aggregate classification (germline): Uncertain significance (1 of 4 stars; one submission).

Allele frequency attached by ClinVar (database versions not stated): gnomAD 0.00001.
gnomAD v4.1: 1 of 1,603,026 alleles (0.000062%); highest among the groups gnomAD compares: Non-Finnish European, 0.000085%; no homozygotes.

Submission:

GeneDx
Classification: Uncertain significance. Last evaluated: 2026-08-06. Review status: criteria provided, single submitter. Criteria: GeneDx Variant Classification Process June 2021. Collection method: clinical testing. Allele origin: germline.
Comment: Not observed at significant frequency in large population cohorts (gnomAD); In silico analysis supports that this missense variant has a deleterious effect on protein structure/function; Has not been previously published as pathogenic or benign to our knowledge